The following is an entry in ClinVar:

ClinVar aggregate classification (germline): Uncertain significance. Review status: criteria provided, single submitter (1 of 4 stars). 2 submissions from 2 submitters: Uncertain significance (1). 1 of the submissions does not count toward it. Last evaluated 2021-09-01.

Conditions:
X-linked severe combined immunodeficiency (SCIDX1). Also called: X-Linked Combined Immunodeficiency Diseases; IMMUNODEFICIENCY 4; SCID, X-LINKED; SEVERE COMBINED IMMUNODEFICIENCY, X-LINKED, T CELL-NEGATIVE, B CELL-POSITIVE, NK CELL-NEGATIVE; T-B+ severe combined immunodeficiency due to gamma chain deficiency. Identifiers: Orphanet 276, MedGen C6022468, MONDO:0010315, OMIM 300400. Disease mechanism: loss of function.

Allele frequency attached by ClinVar (database versions not stated): ESP Exome Variant Server 0.00009; gnomAD exomes below 0.00001 and 0.00001; ExAC 0.00003; gnomAD 0.00005; TOPMed 0.00007.
gnomAD v4.1: 8 of 1,164,011 alleles (0.00069%); highest among the groups gnomAD compares: African/African-American, 0.014%; no homozygotes.

Submissions (2):

Labcorp Genetics (formerly Invitae), Labcorp
Classification: Uncertain significance for X-linked severe combined immunodeficiency. Last evaluated: 2021-09-01. Review status: criteria provided, single submitter. Criteria: Invitae Variant Classification Sherloc (09022015). Collection method: clinical testing. Allele origin: germline.
Comment: This sequence change replaces asparagine with isoleucine at codon 254 of the IL2RG protein (p.Asn254Ile). The asparagine residue is moderately conserved and there is a large physicochemical difference between asparagine and isoleucine. This variant is present in population databases (rs368726465, ExAC 0.02%). This variant has not been reported in the literature in individuals affected with IL2RG-related conditions. Algorithms developed to predict the effect of missense changes on protein structure and function (SIFT, PolyPhen-2, Align-GVGD) all suggest that this variant is likely to be tolerated. In summary, the available evidence is currently insufficient to determine the role of this variant in disease. Therefore, it has been classified as a Variant of Uncertain Significance.

Natera, Inc.
Classification: Uncertain significance for X-linked severe combined immunodeficiency. Last evaluated: 2020-03-17. Review status: no assertion criteria provided. Collection method: clinical testing. Allele origin: germline. Not counted in ClinVar's aggregate classification.

NM_000206.3(IL2RG):c.761A>T (p.Asn254Ile)

Gene: IL2RG (interleukin 2 receptor subunit gamma; minus strand). Cytogenetic location: Xq13.1.
Variant type: single nucleotide variant.
Coding change: c.761A>T on transcript NM_000206.3 (MANE Select); coding-DNA position 761, A replaced by T.
Protein change: p.Asn254Ile; replaces asparagine 254 with isoleucine.
Molecular consequence: missense variant.
Genome position (GRCh38, 1-based): chrX:71,108,692, T>A on the plus strand (A>T on the coding strand, the complement: IL2RG is on the minus strand). VCF-style: chrX-71108692-T-A. GRCh37 (hg19) VCF-style: chrX-70328542-T-A.
Other names: short protein forms N254I.
Identifiers: ClinVar variation 946616 (VCV000946616.9), dbSNP rs368726465, ClinGen allele CA10443813.
Genomic context (GRCh38, chrX:71,108,692, plus strand): 5'-ATAATCAATCCCATGGAGCCAACAGAGATAACCACGGCTTCCAATGCAAACAGGAAAGGA[T>A]TCTCTATAGAAAAAAGAAAAGCAAAGTGGACCTTATATTTGTTGTGCCCCTACTACATGC-3'
Protein context (NP_000197.1, residues 244-264): IHWGSNTSKE[Asn254Ile]PFLFALEAVV